The following is an entry in ClinVar:

NM_000304.4(PMP22):c.261_262del (p.Phe88fs)

Gene: PMP22 (peripheral myelin protein 22; minus strand). Cytogenetic location: 17p12.
Variant type: Microsatellite.
Coding change: c.261_262del on transcript NM_000304.4 (MANE Select); coding-DNA positions 261 to 262, 2 bases deleted (CT; older notation c.261_262delCT).
Protein change: p.Phe88fs; shifts the reading frame from phenylalanine 88.
Molecular consequence: frameshift variant. On other transcripts: non-coding transcript variant (2).
Genome position (GRCh38, 1-based): chr17:15,239,528-15,239,529, AG deleted on the plus strand (CT on the coding strand, the reverse complement: PMP22 is on the minus strand); deleting any 2 consecutive bases within chr17:15,239,528-15,239,531 gives the same sequence; the c. name uses the placement nearest the transcript's 3' end. VCF-style (leftmost placement, unchanged base first): chr17-15239527-AAG-A. GRCh37 (hg19) VCF-style: chr17-15142844-AAG-A.
Other names: c.261_262delCT (NM_000304.3); c.261_262del, p.Phe88fs (NM_001281455.2, NM_001281456.2, NM_001330143.2 and 2 more transcripts); c.261_262del (NM_000304.3); short protein forms F88fs.
Identifiers: ClinVar variation 568922 (VCV000568922.6), dbSNP rs1567704791, ClinGen allele CA891843515.

ClinVar aggregate classification (germline): Pathogenic (1 of 4 stars; one submission).

Conditions:
Hereditary liability to pressure palsies (HNPP). Also called: TOMACULOUS NEUROPATHY; Hereditary Neuropathy with Liability to Pressure Palsies; POLYNEUROPATHY, FAMILIAL RECURRENT. Identifiers: Orphanet 640, MedGen C0393814, MONDO:0008087, OMIM 162500.
Charcot-Marie-Tooth disease, type IA (CMT1A). Also called: Charcot-Marie-Tooth disease type 1A; CMT 1A; Hereditary motor and sensory neuropathy 1A; HMSN 1A; CHARCOT-MARIE-TOOTH DISEASE, DEMYELINATING, TYPE 1A; CHARCOT-MARIE-TOOTH DISEASE, AUTOSOMAL DOMINANT, WITH FOCALLY FOLDED MYELIN SHEATHS, TYPE 1A. Identifiers: Orphanet 101081, MedGen C0270911, MONDO:0007309, OMIM 118220.
Charcot-Marie-Tooth disease type 1E. Also called: Charcot-Marie-Tooth Neuropathy Type 1E; Charcot-Marie-Tooth disease and deafness; CHARCOT-MARIE-TOOTH DISEASE, DEMYELINATING, TYPE 1E; CHARCOT-MARIE-TOOTH NEUROPATHY AND DEAFNESS, AUTOSOMAL DOMINANT. Identifiers: Orphanet 90658, MedGen C3495591, MONDO:0007311, OMIM 118300.
Charcot-Marie-Tooth disease, type I (CMT1). Also called: Charcot-Marie-Tooth disease type 1; Charcot-Marie-Tooth, Type 1. Identifiers: Orphanet 65753, MedGen C0751036, MONDO:0019011.

Submission:

Labcorp Genetics (formerly Invitae), Labcorp
Classification: Pathogenic for Charcot-Marie-Tooth disease, type I. Last evaluated: 2021-02-14. Review status: criteria provided, single submitter. Criteria: Invitae Variant Classification Sherloc (09022015). Collection method: clinical testing. Allele origin: germline.
Comment: For these reasons, this variant has been classified as Pathogenic. This variant disrupts the p.Gly150 amino acid residue in PMP22. Other variant(s) that disrupt this residue have been determined to be pathogenic (PMID: 1552943, 8995589, 9425015, 10078969, 10982389, 15474367, 15537650, 18795802, 25385046, 26102530). This suggests that this residue is clinically significant, and that variants that disrupt this residue are likely to be disease-causing. This variant has been observed in individual(s) with PMP22-related conditions (Invitae). ClinVar contains an entry for this variant (Variation ID: 568922). This variant is not present in population databases (ExAC no frequency). This sequence change results in a frameshift in the PMP22 gene (p.Phe88Hisfs*134). While this is not anticipated to result in nonsense mediated decay, it is expected to disrupt the last 73 amino acid(s) of the PMP22 protein and extend the protein by 60 additional amino acid residues.

Literature cited by the submitters: PubMed 1552943 (cited by Labcorp Genetics (formerly Invitae), Labcorp); PubMed 8995589 (cited by Labcorp Genetics (formerly Invitae), Labcorp); PubMed 9425015 (cited by Labcorp Genetics (formerly Invitae), Labcorp); PubMed 10078969 (cited by Labcorp Genetics (formerly Invitae), Labcorp); PubMed 10982389 (cited by Labcorp Genetics (formerly Invitae), Labcorp); PubMed 15474367 (cited by Labcorp Genetics (formerly Invitae), Labcorp); PubMed 15537650 (cited by Labcorp Genetics (formerly Invitae), Labcorp); PubMed 18795802 (cited by Labcorp Genetics (formerly Invitae), Labcorp); PubMed 25385046 (cited by Labcorp Genetics (formerly Invitae), Labcorp); PubMed 26102530 (cited by Labcorp Genetics (formerly Invitae), Labcorp).